The following is an entry in ClinVar:

ClinVar aggregate classification (germline): Pathogenic (3 of 4 stars; one submission).

Conditions:
Breast-ovarian cancer, familial, susceptibility to, 1 (BROVCA1). Also called: BRCA1 Hereditary Breast and Ovarian Cancer; OVARIAN CANCER, SUSCEPTIBILITY TO. Identifiers: Orphanet 145, MedGen C2676676, MONDO:0011450, OMIM 604370. Disease mechanism: loss of function.

Submission:

Evidence-based Network for the Interpretation of Germline Mutant Alleles (ENIGMA)
Classification: Pathogenic for Breast-ovarian cancer, familial, susceptibility to, 1. Last evaluated: 2017-12-15. Review status: reviewed by expert panel. Criteria: ENIGMA BRCA1/2 Classification Criteria (2017-06-29). Collection method: curation. Allele origin: germline. Study: ENIGMA.
Comment: Variant allele predicted to encode a truncated non-functional protein.

NM_007294.4(BRCA1):c.2851_2852insC (p.Arg951fs)

Gene: BRCA1 (BRCA1 DNA repair associated; minus strand). Cytogenetic location: 17q21.31.
Variant type: Insertion.
Coding change: c.2851_2852insC on transcript NM_007294.4 (MANE Select); coding-DNA positions 2851 to 2852, C inserted.
Protein change: p.Arg951fs; shifts the reading frame from arginine 951.
Molecular consequence: frameshift variant. On other transcripts: intron variant (137).
Genome position: GRCh38 VCF-style: chr17-43092679-C-CG. GRCh37 (hg19) VCF-style: chr17-41244696-C-CG.
Other names: c.665-1648_665-1647insC (NM_001408427.1, NM_001408443.1, NM_001408439.1 and 12 more transcripts); c.524-1648_524-1647insC (NM_001408496.1, NM_001408499.1, NM_001408498.1 and 3 more transcripts); c.647-1648_647-1647insC (NM_001408460.1, NM_001408454.1, NM_001408456.1 and 11 more transcripts); c.707-1648_707-1647insC (NM_001408413.1, NM_001408416.1); c.587-1648_587-1647insC (NM_001408476.1, NM_001408474.1); c.710-1648_710-1647insC (NM_001408409.1, NM_001408414.1, NM_001408411.1 and 2 more transcripts); c.575-1648_575-1647insC (NM_001408493.1, NM_001408490.1, NM_001408491.1); c.455-1648_455-1647insC (NM_001408502.1); and 41 more; short protein forms R951fs, R904fs, R824fs, R840fs, R863fs, R883fs, R910fs, R948fs.
Identifiers: ClinVar variation 548166 (VCV000548166.2), dbSNP rs1555588844, ClinGen allele CA658823988.